The following is an entry in ClinVar:

ClinVar aggregate classification (germline): Pathogenic (1 of 4 stars; one submission).

Conditions:
Familial thoracic aortic aneurysm and aortic dissection (TAAD). Also called: Thoracic aortic aneurysms and dissections. Identifiers: Orphanet 91387, MedGen C4707243, MONDO:0019625.
Marfan syndrome (MFS). Also called: MARFAN SYNDROME, TYPE I; Marfan syndrome type 1; Marfan's syndrome; Marfan syndrome, classic; FBN1-Related Marfan Syndrome. Identifiers: Orphanet 284963, Orphanet 558, MedGen C0024796, MONDO:0007947, OMIM 154700.

Submission:

Labcorp Genetics (formerly Invitae), Labcorp
Classification: Pathogenic for Marfan syndrome; Familial thoracic aortic aneurysm and aortic dissection. Last evaluated: 2022-04-21. Review status: criteria provided, single submitter. Criteria: Invitae Variant Classification Sherloc (09022015). Collection method: clinical testing. Allele origin: germline.
Comment: This sequence change creates a premature translational stop signal (p.Arg2694Glufs*58) in the FBN1 gene. While this is not anticipated to result in nonsense mediated decay, it is expected to disrupt the last 178 amino acid(s) of the FBN1 protein. This variant is not present in population databases (gnomAD no frequency). This variant has not been reported in the literature in individuals affected with FBN1-related conditions. This variant disrupts a region of the FBN1 protein in which other variant(s) (p.Gln2867*) have been determined to be pathogenic (PMID: 19293843). This suggests that this is a clinically significant region of the protein, and that variants that disrupt it are likely to be disease-causing. For these reasons, this variant has been classified as Pathogenic.

Literature cited by the submitters: PubMed 19293843.

NM_000138.5(FBN1):c.8080del (p.Arg2694fs)

Gene: FBN1 (fibrillin 1; minus strand). Cytogenetic location: 15q21.1.
Variant type: Deletion.
Coding change: c.8080del on transcript NM_000138.5 (MANE Select); coding-DNA position 8080, one base deleted (C; older notation c.8080delC).
Protein change: p.Arg2694fs; shifts the reading frame from arginine 2694.
Molecular consequence: frameshift variant.
Genome position (GRCh38, 1-based): chr15:48,412,715, G deleted on the plus strand (C on the coding strand, the reverse complement: FBN1 is on the minus strand); the first of 2 consecutive G bases (chr15:48,412,715-48,412,716); deleting either gives the same sequence. VCF-style (leftmost placement, unchanged base first): chr15-48412714-CG-C. GRCh37 (hg19) VCF-style: chr15-48704911-CG-C.
Other names: c.8079delC, p.Arg2694Glufs (NM_001406716.1); short protein forms R2694fs.
Identifiers: ClinVar variation 2128808 (VCV002128808.4), dbSNP rs2505375770, ClinGen allele CA2580089613.
Genomic context (GRCh38, chr15:48,412,714, plus strand): 5'-GCCTCTGGGGAGAGTGAATTGTCATCCATTTCACCACTGACAGGTGGCTCTGGGTTTCCT[CG>C]GCCCATGCCCATTCCAGAAACACAGTGCCTGCAGCAGAAGGGGAGCATAGATGTTTTTCA-3'